The following is an entry in ClinVar:

NM_017849.4(TMEM127):c.462C>G (p.Ile154Met)

Gene: TMEM127 (transmembrane protein 127; minus strand). Cytogenetic location: 2q11.2.
Variant type: single nucleotide variant.
Coding change: c.462C>G on transcript NM_017849.4 (MANE Select); coding-DNA position 462, C replaced by G.
Protein change: p.Ile154Met; replaces isoleucine 154 with methionine.
Molecular consequence: missense variant.
Genome position (GRCh38, 1-based): chr2:96,254,063, G>C on the plus strand (C>G on the coding strand, the complement: TMEM127 is on the minus strand). VCF-style: chr2-96254063-G-C. GRCh37 (hg19) VCF-style: chr2-96919801-G-C.
Other names: c.462C>G, p.Ile154Met (NM_001193304.3); short protein forms I154M.
Identifiers: ClinVar variation 639242 (VCV000639242.11), dbSNP rs987656498, ClinGen allele CA52412122.

ClinVar aggregate classification (germline): Uncertain significance. Review status: criteria provided, multiple submitters, no conflicts (2 of 4 stars). 2 submissions from 2 submitters: Uncertain significance (2). Last evaluated 2026-01-13.

Conditions:
Hereditary pheochromocytoma and paraganglioma. Also called: Hereditary Paraganglioma-Pheochromocytoma Syndromes; Hereditary paragangliomas and pheochromocytomas; Hereditary pheochromocytoma-paraganglioma. Identifiers: Orphanet 29072, MedGen C4274332, MONDO:0017366.
Hereditary cancer-predisposing syndrome. Also called: Neoplastic Syndromes, Hereditary; Hereditary Cancer Syndrome; Tumor predisposition; Hereditary neoplastic syndrome. Identifiers: Orphanet 140162, MedGen C0027672, MeSH D009386, MONDO:0015356.

Allele frequency attached by ClinVar (database versions not stated): gnomAD exomes below 0.00001; TOPMed below 0.00001; gnomAD 0.00001.
gnomAD v4.1: 8 of 1,614,076 alleles (0.0005%); highest among the groups gnomAD compares: Non-Finnish European, 0.00068%; no homozygotes.

Submissions (2):

Labcorp Genetics (formerly Invitae), Labcorp
Classification: Uncertain significance for Hereditary pheochromocytoma and paraganglioma. Last evaluated: 2026-01-13. Review status: criteria provided, single submitter. Criteria: Invitae Variant Classification Sherloc (09022015). Collection method: clinical testing. Allele origin: germline.
Comment: This sequence change replaces isoleucine, which is neutral and non-polar, with methionine, which is neutral and non-polar, at codon 154 of the TMEM127 protein (p.Ile154Met). This variant is not present in population databases (gnomAD no frequency). This missense change has been observed in individual(s) with paraganglioma and pheochromocytoma (PMID: 28384794, 33051659). ClinVar contains an entry for this variant (Variation ID: 639242). An algorithm developed to predict the effect of missense changes on protein structure and function (PolyPhen-2) suggests that this variant is likely to be disruptive. In summary, the available evidence is currently insufficient to determine the role of this variant in disease. Therefore, it has been classified as a Variant of Uncertain Significance.

Ambry Genetics
Classification: Uncertain significance for Hereditary cancer-predisposing syndrome. Last evaluated: 2024-12-31. Review status: criteria provided, single submitter. Criteria: Ambry Variant Classification Scheme 2023. Collection method: clinical testing. Allele origin: germline.
Comment: The p.I154M variant (also known as c.462C>G), located in coding exon 3 of the TMEM127 gene, results from a C to G substitution at nucleotide position 462. The isoleucine at codon 154 is replaced by methionine, an amino acid with highly similar properties. In one or more cohort studies, this variant was found to be associated with paraganglioma and pheochromocytoma (Armaiz-Pena G et al. J Clin Endocrinol Metab, 2021 Jan;106:e350-e364; Bausch B et al. JAMA Oncol, 2017 Sep;3:1204-1212). This amino acid position is highly conserved in available vertebrate species. In addition, this alteration is predicted to be deleterious by in silico analysis. Based on the available evidence, the clinical significance of this variant remains unclear.

Literature cited by the submitters: PubMed 28384794 (cited by Labcorp Genetics (formerly Invitae), Labcorp and Ambry Genetics); PubMed 33051659 (cited by Labcorp Genetics (formerly Invitae), Labcorp and Ambry Genetics).